The following is an entry in ClinVar:

NM_001077350.3(NPRL3):c.64C>G (p.Leu22Val)

Genes: HBA-LCR (alpha-globin locus control region; plus strand), NPRL3 (NPR3 like, GATOR1 complex subunit; minus strand). Cytogenetic location: 16p13.3.
Variant type: single nucleotide variant.
Coding change: c.64C>G on transcript NM_001077350.3 (MANE Select); coding-DNA position 64, C replaced by G.
Protein change: p.Leu22Val; replaces leucine 22 with valine.
Molecular consequence: missense variant. On other transcripts: 5 prime UTR variant (2).
Genome position (GRCh38, 1-based): chr16:138,204, G>C on the plus strand (C>G on the coding strand, the complement: NPRL3 is on the minus strand). VCF-style: chr16-138204-G-C. GRCh37 (hg19) VCF-style: chr16-188203-G-C.
Other names: c.-269C>G (NM_001039476.3); c.-308C>G (NM_001243247.2); c.64C>G, p.Leu22Val (NM_001243248.2, NM_001243249.2); short protein forms L22V.
Identifiers: ClinVar variation 2843089 (VCV002843089.3), dbSNP rs747813822, ClinGen allele CA393999593.

ClinVar aggregate classification (germline): Uncertain significance (1 of 4 stars; one submission).

Conditions:
Epilepsy, familial focal, with variable foci 3 (FFEVF3). Identifiers: MedGen C4310708, MONDO:0014925, OMIM 617118.

Submission:

Labcorp Genetics (formerly Invitae), Labcorp
Classification: Uncertain significance for Epilepsy, familial focal, with variable foci 3. Last evaluated: 2025-01-06. Review status: criteria provided, single submitter. Criteria: Invitae Variant Classification Sherloc (09022015). Collection method: clinical testing. Allele origin: germline.
Comment: This sequence change replaces leucine, which is neutral and non-polar, with valine, which is neutral and non-polar, at codon 22 of the NPRL3 protein (p.Leu22Val). This variant is not present in population databases (gnomAD no frequency). This variant has not been reported in the literature in individuals affected with NPRL3-related conditions. ClinVar contains an entry for this variant (Variation ID: 2843089). Invitae Evidence Modeling of protein sequence and biophysical properties (such as structural, functional, and spatial information, amino acid conservation, physicochemical variation, residue mobility, and thermodynamic stability) indicates that this missense variant is not expected to disrupt NPRL3 protein function with a negative predictive value of 80%. In summary, the available evidence is currently insufficient to determine the role of this variant in disease. Therefore, it has been classified as a Variant of Uncertain Significance.